The following is an entry in ClinVar:

ClinVar aggregate classification (germline): Pathogenic (1 of 4 stars; one submission).

Submission:

Labcorp Genetics (formerly Invitae), Labcorp
Classification: Pathogenic. Last evaluated: 2023-11-02. Review status: criteria provided, single submitter. Criteria: Invitae Variant Classification Sherloc (09022015). Collection method: clinical testing. Allele origin: unknown.
Comment: This variant is a gross deletion of the genomic region encompassing exon(s) 13-19 of the EYS gene. This variant would be expected to be in-frame, preserving the integrity of the reading frame. This variant has not been reported in the literature in individuals affected with EYS-related conditions. This variant disrupts a region of the EYS protein in which other variant(s) (p.Gly843Glu) have been determined to be pathogenic (PMID: 22302105, 22363543, 29785639, 31814702). This suggests that this is a clinically significant region of the protein, and that variants that disrupt it are likely to be disease-causing. For these reasons, this variant has been classified as Pathogenic.

Literature cited by the submitters: PubMed 22302105; PubMed 22363543; PubMed 29785639; PubMed 31814702.

NC_000006.11:g.(?_65596570)_(65767640_?)del

Gene: EYS (eyes shut homolog; minus strand). Cytogenetic location: 6q12.
Variant type: Deletion.
Identifiers: ClinVar variation 3246104 (VCV003246104.1).